The following is an entry in ClinVar:

NM_000535.7(PMS2):c.24T>C (p.Ser8=)

Gene: PMS2 (PMS1 homolog 2, mismatch repair system component; minus strand). Cytogenetic location: 7p22.1.
Variant type: single nucleotide variant.
Coding change: c.24T>C on transcript NM_000535.7 (MANE Select); coding-DNA position 24, T replaced by C.
Protein change: p.Ser8=; no amino-acid change (serine 8 retained).
Molecular consequence: synonymous variant. On other transcripts: 5 prime UTR variant (3), non-coding transcript variant (1), intron variant (8).
Genome position (GRCh38, 1-based): chr7:6,006,031, A>G on the plus strand (T>C on the coding strand, the complement: PMS2 is on the minus strand). VCF-style: chr7-6006031-A-G. GRCh37 (hg19) VCF-style: chr7-6045662-A-G.
Other names: c.-382T>C (NM_001322005.2); c.24T>C, p.Ser8= (NM_001322006.2, NM_001322014.2); c.-192T>C (NM_001322007.2); c.-861T>C (NM_001322011.2); c.-52-1973T>C (NM_001322008.2); c.-242-1973T>C (NM_001322010.2, NM_001322004.2); c.-377-5T>C (NM_001322013.2, NM_001322003.2, NM_001322009.2); c.-856-5T>C (NM_001322012.2); and 1 more.
Identifiers: ClinVar variation 480368 (VCV000480368.19), dbSNP rs1554306620, ClinGen allele CA453650384.

ClinVar aggregate classification (germline): Conflicting classifications of pathogenicity. Review status: criteria provided, conflicting classifications (1 of 4 stars). 4 submissions from 4 submitters: Uncertain significance (1); Likely benign (3). Last evaluated 2025-09-15.

Conditions:
Hereditary nonpolyposis colorectal neoplasms. Identifiers: MedGen C0009405, MeSH D003123.
Hereditary cancer-predisposing syndrome. Also called: Tumor predisposition; Hereditary Cancer Syndrome; Neoplastic Syndromes, Hereditary; Hereditary neoplastic syndrome. Identifiers: Orphanet 140162, MedGen C0027672, MeSH D009386, MONDO:0015356.

gnomAD v4.1: 1 of 1,610,692 alleles (0.000062%); no homozygotes.

Submissions (4):

Labcorp Genetics (formerly Invitae), Labcorp
Classification: Uncertain significance for Hereditary nonpolyposis colorectal neoplasms. Last evaluated: 2025-09-15. Review status: criteria provided, single submitter. Criteria: Invitae Variant Classification Sherloc (09022015). Collection method: clinical testing. Allele origin: germline.
Comment: This sequence change affects codon 8 of the PMS2 mRNA. It is a 'silent' change, meaning that it does not change the encoded amino acid sequence of the PMS2 protein. It affects a nucleotide within the consensus splice site. This variant is not present in population databases (gnomAD no frequency). This variant has not been reported in the literature in individuals affected with PMS2-related conditions. ClinVar contains an entry for this variant (Variation ID: 480368). Algorithms developed to predict the effect of sequence changes on RNA splicing suggest that this variant is not likely to affect RNA splicing. In summary, the available evidence is currently insufficient to determine the role of this variant in disease. Therefore, it has been classified as a Variant of Uncertain Significance.

Blueprint Genetics
Classification: Likely benign. Last evaluated: 2021-12-28. Review status: criteria provided, single submitter. Criteria: ACMG Guidelines, 2015. Collection method: clinical testing. Allele origin: germline.

Color Diagnostics, LLC DBA Color Health
Classification: Likely benign for Hereditary cancer-predisposing syndrome. Last evaluated: 2017-03-31. Review status: criteria provided, single submitter. Criteria: ACMG Guidelines, 2015. Collection method: clinical testing. Allele origin: germline.

Ambry Genetics
Classification: Likely benign for Hereditary cancer-predisposing syndrome. Last evaluated: 2017-02-13. Review status: criteria provided, single submitter. Criteria: Ambry Variant Classification Scheme 2023. Collection method: clinical testing. Allele origin: germline.